The following is an entry in ClinVar:

NM_001916.5(CYC1):c.296G>A (p.Arg99His)

Gene: CYC1 (cytochrome c1; plus strand). Cytogenetic location: 8q24.3.
Variant type: single nucleotide variant.
Coding change: c.296G>A on transcript NM_001916.5 (MANE Select); coding-DNA position 296, G replaced by A.
Protein change: p.Arg99His; replaces arginine 99 with histidine.
Molecular consequence: missense variant.
Genome position (GRCh38, 1-based): chr8:144,095,999, G>A. VCF-style: chr8-144095999-G-A. GRCh37 (hg19) VCF-style: chr8-145150902-G-A.
Other names: short protein forms R99H.
Identifiers: ClinVar variation 4746626 (VCV004746626.1).

ClinVar aggregate classification (germline): Uncertain significance (1 of 4 stars; one submission).

gnomAD v4.1: 1 of 1,605,736 alleles (0.000062%); highest among the groups gnomAD compares: Admixed American, 0.0017%; no homozygotes.

Submission:

Labcorp Genetics (formerly Invitae), Labcorp
Classification: Uncertain significance. Last evaluated: 2026-01-02. Review status: criteria provided, single submitter. Criteria: Invitae Variant Classification Sherloc (09022015). Collection method: clinical testing. Allele origin: germline.
Comment: This sequence change replaces arginine, which is basic and polar, with histidine, which is basic and polar, at codon 99 of the CYC1 protein (p.Arg99His). The frequency data for this variant in the population databases is considered unreliable, as metrics indicate poor data quality at this position in the gnomAD database. This variant has not been reported in the literature in individuals affected with CYC1-related conditions. Invitae Evidence Modeling of protein sequence and biophysical properties (such as structural, functional, and spatial information, amino acid conservation, physicochemical variation, residue mobility, and thermodynamic stability) indicates that this missense variant is not expected to disrupt CYC1 protein function with a negative predictive value of 80%. In summary, the available evidence is currently insufficient to determine the role of this variant in disease. Therefore, it has been classified as a Variant of Uncertain Significance.